The following is an entry in ClinVar:

ClinVar aggregate classification (germline): Uncertain significance (1 of 4 stars; one submission).

gnomAD v4.1: 7 of 1,613,804 alleles (0.00043%); highest among the groups gnomAD compares: African/African-American, 0.0067%; no homozygotes.

Submission:

Ambry Genetics
Classification: Uncertain significance. Last evaluated: 2026-02-23. Review status: criteria provided, single submitter. Criteria: Ambry Variant Classification Scheme 2023. Collection method: clinical testing. Allele origin: germline.
Comment: The p.K780E variant (also known as c.2338A>G), located in coding exon 13 of the GEN1 gene, results from an A to G substitution at nucleotide position 2338. The lysine at codon 780 is replaced by glutamic acid, an amino acid with similar properties. This amino acid position is conserved. In addition, this alteration is predicted to be tolerated by in silico analysis. Based on the available evidence, the clinical significance of this variant remains unclear.

NM_001130009.3(GEN1):c.2338A>G (p.Lys780Glu)

Gene: GEN1 (GEN1 structure-specific endonuclease; plus strand). Cytogenetic location: 2p24.2.
Variant type: single nucleotide variant.
Coding change: c.2338A>G on transcript NM_001130009.3 (MANE Select); coding-DNA position 2338, A replaced by G.
Protein change: p.Lys780Glu; replaces lysine 780 with glutamic acid.
Molecular consequence: missense variant.
Genome position (GRCh38, 1-based): chr2:17,781,550, A>G. VCF-style: chr2-17781550-A-G. GRCh37 (hg19) VCF-style: chr2-17962817-A-G.
Other names: c.2338A>G, p.Lys780Glu (NM_182625.5); short protein forms K780E.
Identifiers: ClinVar variation 4826292 (VCV004826292.1).